The following is an entry in ClinVar:

NM_177438.3(DICER1):c.2421C>A (p.Ala807=)

Gene: DICER1 (dicer 1, ribonuclease III; minus strand). Cytogenetic location: 14q32.13.
Variant type: single nucleotide variant.
Coding change: c.2421C>A on transcript NM_177438.3 (MANE Select); coding-DNA position 2421, C replaced by A.
Protein change: p.Ala807=; no amino-acid change (alanine 807 retained).
Molecular consequence: synonymous variant.
Genome position (GRCh38, 1-based): chr14:95,108,339, G>T on the plus strand (C>A on the coding strand, the complement: DICER1 is on the minus strand). VCF-style: chr14-95108339-G-T. GRCh37 (hg19) VCF-style: chr14-95574676-G-T.
Other names: c.2421C>A, p.Ala807= (NM_001195573.1, NM_001271282.3, NM_001291628.2 and 1 more transcripts).
Identifiers: ClinVar variation 1094823 (VCV001094823.11), dbSNP rs755672876, ClinGen allele CA487628375.
Genomic context (GRCh38, chr14:95,108,339, plus strand): 5'-TAAGCAAGACGTTTTTGACATAAGTACTCATTATGAAATACCTACCTGAGGTATGGGTTT[G>T]GCCGTCAGTATTCCAAAGCATCTTGTGGTATCTTCAGGAGGATAGAGCTTCCGCCTTCTA-3'
Protein context (NP_803187.1, residues 797-817): DTTRCFGILT[Ala807=]KPIPQIPHFP

ClinVar aggregate classification (germline): Benign/Likely benign. Review status: criteria provided, multiple submitters, no conflicts (2 of 4 stars). 2 submissions from 2 submitters: Benign (1); Likely benign (1). Last evaluated 2026-04-16.

Conditions:
DICER1-related tumor predisposition. Also called: DICER1 syndrome; DICER1-related pleuropulmonary blastoma cancer predisposition syndrome. Identifiers: Orphanet 284343, MedGen C3839822, MONDO:0100216.

Submissions (2):

Myriad Genetics, Inc.
Classification: Benign for DICER1-related tumor predisposition. Last evaluated: 2026-04-16. Review status: criteria provided, single submitter. Criteria: Myriad Autosomal Dominant, Autosomal Recessive and X-Linked Classification Criteria (2023). Collection method: clinical testing. Allele origin: unknown.
Comment: This variant is considered benign. This variant is a silent/synonymous amino acid change and it is not expected to impact splicing.

Labcorp Genetics (formerly Invitae), Labcorp
Classification: Likely benign for DICER1-related tumor predisposition. Last evaluated: 2020-03-08. Review status: criteria provided, single submitter. Criteria: Invitae Variant Classification Sherloc (09022015). Collection method: clinical testing. Allele origin: germline.